The following is an entry in ClinVar:

NM_001330260.2(SCN8A):c.2196C>G (p.Ile732Met)

Gene: SCN8A (sodium voltage-gated channel alpha subunit 8; plus strand). Cytogenetic location: 12q13.13.
Variant type: single nucleotide variant.
Coding change: c.2196C>G on transcript NM_001330260.2 (MANE Select); coding-DNA position 2196, C replaced by G.
Protein change: p.Ile732Met; replaces isoleucine 732 with methionine.
Molecular consequence: missense variant.
Genome position (GRCh38, 1-based): chr12:51,751,419, C>G. VCF-style: chr12-51751419-C-G. GRCh37 (hg19) VCF-style: chr12-52145203-C-G.
Other names: c.2196C>G, p.Ile732Met (NM_001177984.3, NM_001369788.1, NM_014191.4); short protein forms I732M.
Identifiers: ClinVar variation 3061364 (VCV003061364.3), dbSNP rs1175413307, ClinGen allele CA384879828.

ClinVar aggregate classification (germline): Uncertain significance. Review status: criteria provided, single submitter (1 of 4 stars). 2 submissions from 2 submitters: Uncertain significance (1). 1 of the submissions does not count toward it. Last evaluated 2024-11-30.

Conditions:
SCN8A-related disorder.

Submissions (2):

GeneDx
Classification: Uncertain significance. Last evaluated: 2024-11-30. Review status: criteria provided, single submitter. Criteria: GeneDx Variant Classification Process June 2021. Collection method: clinical testing. Allele origin: germline. Affected: yes.
Comment: Not observed at significant frequency in large population cohorts (gnomAD); In silico analysis supports that this missense variant has a deleterious effect on protein structure/function; Has not been previously published as pathogenic or benign to our knowledge; This substitution is predicted to be within the cytoplasmic loop between the first and second homologous domains

PreventionGenetics, part of Exact Sciences
Classification: Uncertain significance for SCN8A-related condition. Last evaluated: 2024-02-26. Review status: no assertion criteria provided. Collection method: clinical testing. Allele origin: germline. Not counted in ClinVar's aggregate classification.
Comment: The SCN8A c.2196C>G variant is predicted to result in the amino acid substitution p.Ile732Met. To our knowledge, this variant has not been reported in the literature or in a large population database, indicating this variant is rare. At this time, the clinical significance of this variant is uncertain due to the absence of conclusive functional and genetic evidence.